The following is an entry in ClinVar:

ClinVar aggregate classification (germline): Pathogenic (1 of 4 stars; one submission).

Conditions:
Hermansky-Pudlak syndrome 3 (HPS3). Identifiers: Orphanet 231512, Orphanet 79430, MedGen C3888001, MONDO:0013555, OMIM 614072.

Submission:

Myriad Genetics, Inc.
Classification: Pathogenic for Hermansky-Pudlak syndrome 3. Last evaluated: 2024-05-14. Review status: criteria provided, single submitter. Criteria: Myriad Autosomal Dominant, Autosomal Recessive and X-Linked Classification Criteria (2023). Collection method: clinical testing. Allele origin: unknown.
Comment: NM_032383.3(HPS3):c.376_377ins19(Y126Ffs*10) is expected to be pathogenic in the context of Hermansky-Pudlak syndrome, HPS3-related. This variant is predicted to lead to an abnormal or absent protein product due to the creation of a premature termination codon in HPS3, a gene where loss-of-function variants are known to be pathogenic. Please note: this variant was assessed in the context of healthy population screening.

NM_032383.5(HPS3):c.376_377insTCACAGATGTGTATAAGAG (p.Tyr126fs)

Gene: HPS3 (HPS3 biogenesis of lysosomal organelles complex 2 subunit 1; plus strand). Cytogenetic location: 3q24.
Variant type: Insertion.
Coding change: c.376_377insTCACAGATGTGTATAAGAG on transcript NM_032383.5 (MANE Select); coding-DNA positions 376 to 377, TCACAGATGTGTATAAGAG inserted.
Protein change: p.Tyr126fs; shifts the reading frame from tyrosine 126.
Molecular consequence: frameshift variant. On other transcripts: intron variant (1).
Genome position: GRCh38 VCF-style: chr3-149140162-T-TTCACAGATGTGTATAAGAG. GRCh37 (hg19) VCF-style: chr3-148857949-T-TTCACAGATGTGTATAAGAG.
Other names: c.218-855_218-854insTCACAGATGTGTATAAGAG (NM_001308258.2); short protein forms Y126fs.
Identifiers: ClinVar variation 5010364 (VCV005010364.1).